The following is an entry in ClinVar:

NM_000393.5(COL5A2):c.3830G>A (p.Ser1277Asn)

Gene: COL5A2 (collagen type V alpha 2 chain; minus strand). Cytogenetic location: 2q32.2.
Variant type: single nucleotide variant.
Coding change: c.3830G>A on transcript NM_000393.5 (MANE Select); coding-DNA position 3830, G replaced by A.
Protein change: p.Ser1277Asn; replaces serine 1277 with asparagine.
Molecular consequence: missense variant.
Genome position (GRCh38, 1-based): chr2:189,039,367, C>T on the plus strand (G>A on the coding strand, the complement: COL5A2 is on the minus strand). VCF-style: chr2-189039367-C-T. GRCh37 (hg19) VCF-style: chr2-189904093-C-T.
Other names: short protein forms S1277N.
Identifiers: ClinVar variation 4869275 (VCV004869275.1).
Genomic context (GRCh38, chr2:189,039,367, plus strand): 5'-TCACACGTGCGGGCTGGGTGCTTTTTCGAGCCATCGGGGCTGCGCATGGTTTCAATCTGA[C>T]TACTGAGTGACTTCAGGGTAGCATGAACCCCTGGGTCCGTTTTGTTTTTGTCATCAGGAG-3'
Protein context (NP_000384.2, residues 1267-1287): GVHATLKSLS[Ser1277Asn]QIETMRSPDG

ClinVar aggregate classification (germline): Uncertain significance (1 of 4 stars; one submission).

Conditions:
Familial thoracic aortic aneurysm and aortic dissection (TAAD). Also called: Thoracic aortic aneurysms and dissections. Identifiers: Orphanet 91387, MedGen C4707243, MONDO:0019625.

Submission:

Ambry Genetics
Classification: Uncertain significance for Familial thoracic aortic aneurysm and aortic dissection. Last evaluated: 2026-06-12. Review status: criteria provided, single submitter. Criteria: Ambry Variant Classification Scheme 2023. Collection method: clinical testing. Allele origin: germline.
Comment: The p.S1277N variant (also known as c.3830G>A), located in coding exon 51 of the COL5A2 gene, results from a G to A substitution at nucleotide position 3830. The serine at codon 1277 is replaced by asparagine, an amino acid with highly similar properties. This amino acid position is conserved. In addition, this alteration is predicted to be tolerated by in silico analysis. Based on the available evidence, the clinical significance of this variant remains unclear.